The following is an entry in ClinVar:

NC_000011.10:g.(?_46366257)_(46744577_?)dup

Genes: AMBRA1 (autophagy and beclin 1 regulator 1; minus strand), ARHGAP1 (Rho GTPase activating protein 1; minus strand), ATG13 (autophagy related 13; plus strand), CHRM4 (cholinergic receptor muscarinic 4; minus strand), CKAP5 (cytoskeleton associated protein 5; minus strand) and 5 more. Cytogenetic location: 11p11.2.
Variant type: Duplication.
Identifiers: ClinVar variation 832135 (VCV000832135.2).

ClinVar aggregate classification (germline): Uncertain significance (1 of 4 stars; one submission).

Submission:

Labcorp Genetics (formerly Invitae), Labcorp
Classification: Uncertain significance. Last evaluated: 2021-01-13. Review status: criteria provided, single submitter. Criteria: Invitae Variant Classification Sherloc (09022015). Collection method: clinical testing. Allele origin: germline.
Comment: This variant results in a copy number gain of the genomic region encompassing the full coding sequence of the ZNF408 gene. The boundaries of this event are unknown as they extend beyond the assayed region for this gene and therefore may encompass additional genes. As the precise location of this event is unknown, it may be in tandem or it may be located elsewhere in the genome. This variant has not been reported in the literature in individuals with ZNF408-related conditions. In summary, the available evidence is currently insufficient to determine the role of this variant in disease. Therefore, it has been classified as a Variant of Uncertain Significance.